The following is an entry in ClinVar:

NM_000090.4(COL3A1):c.1050+6C>T

Gene: COL3A1 (collagen type III alpha 1 chain; plus strand). Cytogenetic location: 2q32.2.
Variant type: single nucleotide variant.
Coding change: c.1050+6C>T on transcript NM_000090.4 (MANE Select); 6 bases into the intron after coding-DNA position 1050, C replaced by T.
Molecular consequence: intron variant.
Genome position (GRCh38, 1-based): chr2:188,992,946, C>T. VCF-style: chr2-188992946-C-T. GRCh37 (hg19) VCF-style: chr2-189857672-C-T.
Identifiers: ClinVar variation 459756 (VCV000459756.19), dbSNP rs528634384, ClinGen allele CA2021744.

ClinVar aggregate classification (germline): Conflicting classifications of pathogenicity. Review status: criteria provided, conflicting classifications (1 of 4 stars). 5 submissions from 5 submitters: Uncertain significance (1); Likely benign (4). Last evaluated 2026-01-13.

Conditions:
Ehlers-Danlos syndrome (EDS). Identifiers: Orphanet 98249, MedGen C0013720, MONDO:0020066.
Familial thoracic aortic aneurysm and aortic dissection (TAAD). Also called: Thoracic aortic aneurysms and dissections. Identifiers: Orphanet 91387, MedGen C4707243, MONDO:0019625.
Ehlers-Danlos syndrome, type 4 (EDSVASC). Also called: Ehlers-Danlos syndrome vascular type; Ehlers Danlos syndrome, ecchymotic type; Ehlers Danlos syndrome, arterial type; Ehlers Danlos syndrome, Sack-Barabas type; Ehlers-Danlos Syndrome Type IV. Identifiers: Orphanet 286, MedGen C0268338, MONDO:0017314, OMIM 130050.

Allele frequency attached by ClinVar (database versions not stated): gnomAD exomes 0.00004 and 0.00008; ExAC 0.00013; 1000 Genomes Project 30x 0.00016; 1000 Genomes Project 0.00020.
gnomAD v4.1: 58 of 1,613,484 alleles (0.0036%); highest among the groups gnomAD compares: South Asian, 0.057%; no homozygotes.

Submissions (5):

Labcorp Genetics (formerly Invitae), Labcorp
Classification: Likely benign for Ehlers-Danlos syndrome, type 4. Last evaluated: 2026-01-13. Review status: criteria provided, single submitter. Criteria: Invitae Variant Classification Sherloc (09022015). Collection method: clinical testing. Allele origin: germline.

All of Us Research Program, National Institutes of Health
Classification: Likely benign for Ehlers-Danlos syndrome, type 4. Last evaluated: 2023-12-13. Review status: criteria provided, single submitter. Criteria: ACMG Guidelines, 2015. Collection method: clinical testing. Allele origin: germline. Inheritance: Autosomal dominant inheritance. Observed: 1 variant allele, 1 heterozygote.
Comment: This study involves interpretation of variants in research participants for the purpose of population health screening. Participant phenotype was not available at the time of variant classification. Additional details can be found in publication PMID: 35346344, PMCID: PMC8962531

Blueprint Genetics
Classification: Likely benign. Last evaluated: 2022-10-06. Review status: criteria provided, single submitter. Criteria: ACMG Guidelines, 2015. Collection method: clinical testing. Allele origin: germline.

Genome Diagnostics Laboratory, The Hospital for Sick Children
Classification: Uncertain significance for Ehlers-Danlos syndrome. Last evaluated: 2021-02-23. Review status: criteria provided, single submitter. Criteria: ACMG Guidelines, 2015. Collection method: clinical testing. Allele origin: germline.

Color Diagnostics, LLC DBA Color Health
Classification: Likely benign for Familial thoracic aortic aneurysm and aortic dissection. Last evaluated: 2018-10-16. Review status: criteria provided, single submitter. Criteria: ACMG Guidelines, 2015. Collection method: clinical testing. Allele origin: germline.